The following is an entry in ClinVar:

ClinVar aggregate classification (germline): Likely benign (0 of 4 stars; one submission).

Conditions:
GNAS-related disorder. Identifiers: MedGen CN380105.

Allele frequency attached by ClinVar (database versions not stated): 1000 Genomes Project 30x 0.00016; ExAC 0.00005; gnomAD 0.00002.
gnomAD v4.1: 10 of 1,562,538 alleles (0.00064%); highest among the groups gnomAD compares: Admixed American, 0.013%; no homozygotes.

Submission:

PreventionGenetics, part of Exact Sciences
Classification: Likely benign for GNAS-related condition. Last evaluated: 2023-12-12. Review status: no assertion criteria provided. Collection method: clinical testing. Allele origin: germline.
Comment: This variant is classified as likely benign based on ACMG/AMP sequence variant interpretation guidelines (Richards et al. 2015 PMID: 25741868, with internal and published modifications).

NM_080425.4(GNAS):c.1513A>G (p.Thr505Ala)

Gene: GNAS (GNAS complex locus; plus strand). Cytogenetic location: 20q13.32.
Variant type: single nucleotide variant.
Coding change: c.1513A>G on transcript NM_080425.4 (MANE Plus Clinical); coding-DNA position 1513, A replaced by G.
Protein change: p.Thr505Ala; replaces threonine 505 with alanine.
Molecular consequence: missense variant. On other transcripts: synonymous variant (2), intron variant (3).
Genome position (GRCh38, 1-based): chr20:58,854,778, A>G. VCF-style: chr20-58854778-A-G. GRCh37 (hg19) VCF-style: chr20-57429833-A-G.
Other names: c.1326A>G, p.Pro442= (NM_001077490.3, NM_001309883.1); c.1513A>G, p.Thr505Ala (NM_001410913.1); c.*42+13892A>G (NM_016592.5); c.43+13892A>G (NM_001410912.1); c.-39+12903A>G (NM_001309861.2); short protein forms T505A.
Identifiers: ClinVar variation 3034023 (VCV003034023.2), dbSNP rs775263851, ClinGen allele CA9926700.